The following is an entry in ClinVar:

ClinVar aggregate classification (germline): Pathogenic. Review status: criteria provided, multiple submitters, no conflicts (2 of 4 stars). 3 submissions from 3 submitters: Pathogenic (2). 1 of the submissions does not count toward it. Last evaluated 2020-10-19.

Conditions:
ERCC5-related disorders.
Cerebrooculofacioskeletal syndrome 3 (COFS3). Identifiers: MedGen C1851443, MONDO:0014696, OMIM 616570.

Submissions (3):

Victorian Clinical Genetics Services, Murdoch Childrens Research Institute
Classification: Pathogenic for Cerebrooculofacioskeletal syndrome 3. Last evaluated: 2020-10-19. Review status: criteria provided, single submitter. Criteria: ACMG Guidelines, 2015. Collection method: clinical testing. Allele origin: germline. Inheritance: Autosomal recessive inheritance.
Comment: Based on the classification scheme VCGS_Germline_v1.3.3, this variant is classified as Pathogenic. Following criteria are met: 0102 - Loss of function is a known mechanism of disease in this gene and is associated with cerebrooculafacioskeletal syndrome (MIM#616570). (I) 0106 - This gene is associated with autosomal recessive disease. (I) 0201 - Variant is predicted to cause nonsense-mediated decay (NMD) and loss of protein (premature termination codon is located at least 54 nucleotides upstream of the final exon-exon junction). (SP) 0252 - This variant is homozygous. (I) 0304 - Variant is present in gnomAD (v2) <0.01 for a recessive condition (9 heterozygotes, 0 homozygotes). (SP) 0701 - Many pathogenic and likely pathogenic NMD-predicted variants comparable to the one identified in this case have very strong previous evidence for pathogenicity, which have been reported in individuals cerebrooculofacioskeletal syndrome, xeroderma pigmentosum (XP) group G and combined XP/Cockayne syndrome phenotypes (ClinVar, PMID: 30838033). (SP) 0803 - This variant has limited previous evidence of pathogenicity in unrelated individuals. This variant has been reported as homozygous in a family with multiple individuals affected with cerebrooculofacioskeletal syndrome (PMID:24700531). (SP) 1208 - Inheritance information for this variant is not currently available in this individual. (I) Legend: (SP) – Supporting pathogenic, (I) - Information, (SB) – Supporting benign

Blueprint Genetics
Classification: Pathogenic for ERCC5-related disorders. Last evaluated: 2020-04-24. Review status: criteria provided, single submitter. Criteria: ACMG Guidelines, 2015. Collection method: clinical testing. Allele origin: germline. Affected: yes. Observed: 2 variant alleles.

OMIM
Classification: Pathogenic for CEREBROOCULOFACIOSKELETAL SYNDROME 3. Last evaluated: 2014-07-01. Review status: no assertion criteria provided. Collection method: literature only. Allele origin: germline. Not counted in ClinVar's aggregate classification.

Literature cited by the submitters: PubMed 24700531 (cited by Victorian Clinical Genetics Services, Murdoch Childrens Research Institute and OMIM); PubMed 30838033 (cited by Victorian Clinical Genetics Services, Murdoch Childrens Research Institute).

NM_000123.4(ERCC5):c.2766dup (p.Leu923fs)

Genes: BIVM-ERCC5 (BIVM-ERCC5 readthrough; plus strand), ERCC5 (ERCC excision repair 5, endonuclease; plus strand). Cytogenetic location: 13q33.1.
Variant type: Duplication.
Coding change: c.2766dup on transcript NM_000123.4 (MANE Select); coding-DNA position 2766, one base duplicated (A; older notation c.2766dupA).
Protein change: p.Leu923fs; shifts the reading frame from leucine 923.
Molecular consequence: frameshift variant.
Genome position (GRCh38, 1-based): chr13:102,872,285, A duplicated; the last of 2 consecutive A bases (chr13:102,872,284-102,872,285); duplicating either gives the same sequence. VCF-style (leftmost placement, unchanged base first): chr13-102872283-C-CA. GRCh37 (hg19) VCF-style: chr13-103524633-C-CA.
Other names: c.2766dupA (NM_000123.3); c.4128dup, p.Leu1377fs (NM_001204425.2); short protein forms L1377fs, L923fs.
Identifiers: ClinVar variation 209978 (VCV000209978.4), dbSNP rs760232640, ClinGen allele CA7041730.